The following is an entry in ClinVar:

ClinVar aggregate classification (germline): Benign/Likely benign. Review status: criteria provided, multiple submitters, no conflicts (2 of 4 stars). 3 submissions from 2 submitters: Benign (2); Likely benign (1). Last evaluated 2018-01-13.

Conditions:
Maturity-onset diabetes of the young type 1. Also called: MODY type 1; Diabetes mellitus MODY type 1; MODY HNF4A related; MILD JUVENILE DIABETES MELLITUS; HNF4A-Related Maturity-Onset Diabetes of the Young Type 1; MODY, type I. Identifiers: Orphanet 552, MedGen C1852093, MONDO:0007452, OMIM 125850. Disease mechanism: loss of function.
Maturity-onset diabetes of the young (MODY). Also called: Maturity onset diabetes mellitus in young. Identifiers: Orphanet 552, MedGen C0342276, MONDO:0018911, HP:0004904.
Familial hyperinsulinism. Also called: Congenital hyperinsulinism. Identifiers: Orphanet 276525, MedGen C3888018, MONDO:0017182. Disease mechanism: loss of function.

Allele frequency attached by ClinVar (database versions not stated): 1000 Genomes Project 0.00060; 1000 Genomes Project 30x 0.00062; TOPMed 0.00062; gnomAD exomes 0.00694.
gnomAD v4.1: 60 of 152,438 alleles (0.039%); highest among the groups gnomAD compares: East Asian, 0.77%; 2 homozygotes.

Submissions (3):

Illumina Laboratory Services, Illumina
Classification: Benign for Maturity-onset diabetes of the young type 1. Last evaluated: 2018-01-13. Review status: criteria provided, single submitter. Criteria: ICSL Variant Classification Criteria 13 December 2019. Collection method: clinical testing. Allele origin: germline.
Comment: This variant was observed in the ICSL laboratory as part of a predisposition screen in an ostensibly healthy population. It had not been previously curated by ICSL or reported in the Human Gene Mutation Database (HGMD: prior to June 1st, 2018), and was therefore a candidate for classification through an automated scoring system. Utilizing variant allele frequency, disease prevalence and penetrance estimates, and inheritance mode, an automated score was calculated to assess if this variant is too frequent to cause the disease. Based on the score and internal cut-off values, a variant classified as benign is not then subjected to further curation. The score for this variant resulted in a classification of benign for this disease.

Illumina Laboratory Services, Illumina
Classification: Likely benign for Familial hyperinsulinism. Last evaluated: 2018-01-13. Review status: criteria provided, single submitter. Criteria: ICSL Variant Classification Criteria 13 December 2019. Collection method: clinical testing. Allele origin: germline.
Comment: This variant was observed in the ICSL laboratory as part of a predisposition screen in an ostensibly healthy population. It had not been previously curated by ICSL or reported in the Human Gene Mutation Database (HGMD: prior to June 1st, 2018), and was therefore a candidate for classification through an automated scoring system. Utilizing variant allele frequency, disease prevalence and penetrance estimates, and inheritance mode, an automated score was calculated to assess if this variant is too frequent to cause the disease. Based on the score and internal cut-off values, a variant classified as likely benign is not then subjected to further curation. The score for this variant resulted in a classification of likely benign for this disease.

Clinical Genomics, Uppaluri K&H Personalized Medicine Clinic
Classification: Benign for Maturity-onset diabetes of the young. Review status: criteria provided, single submitter. Criteria: K & H Uppaluri Personalized Medicine Clinic Variant Classification & Assertion Criteria_Updated V.1. Collection method: research. Allele origin: unknown. Inheritance: Autosomal dominant inheritance.
Comment: Potent mutations in HNF4A are associated with poor insulin secretion in response to hyperglycemia. Associated with MODY1. Patients initially respond well to sulfonylureas but eventually become insulin dependent. However, more evidence is required to ascertain the role of this particular variant rs537829031 in MODY, yet.

Literature cited by the submitters: DOI 10.1159/000334532 (cited by Clinical Genomics, Uppaluri K&H Personalized Medicine Clinic); PubMed 18268044 (cited by Clinical Genomics, Uppaluri K&H Personalized Medicine Clinic); PubMed 17563455 (cited by Clinical Genomics, Uppaluri K&H Personalized Medicine Clinic); PubMed 32583173 (cited by Clinical Genomics, Uppaluri K&H Personalized Medicine Clinic); PubMed 35052457 (cited by Clinical Genomics, Uppaluri K&H Personalized Medicine Clinic); PubMed 35118593 (cited by Clinical Genomics, Uppaluri K&H Personalized Medicine Clinic).

NM_175914.5(HNF4A):c.*2256C>G

Gene: HNF4A (hepatocyte nuclear factor 4 alpha; plus strand). Cytogenetic location: 20q13.12.
Variant type: single nucleotide variant.
Coding change: c.*2256C>G on transcript NM_175914.5 (MANE Select); 2256 bases downstream of the stop codon, C replaced by G.
Molecular consequence: 3 prime UTR variant.
Genome position (GRCh38, 1-based): chr20:44,431,921, C>G. VCF-style: chr20-44431921-C-G. GRCh37 (hg19) VCF-style: chr20-43060561-C-G.
Other names: c.*2256C>G (NM_000457.6, NM_001030003.3, NM_001258355.2 and 3 more transcripts).
Identifiers: ClinVar variation 897368 (VCV000897368.5), dbSNP rs537829031, ClinGen allele CA315422415.
Genomic context (GRCh38, chr20:44,431,921, plus strand): 5'-GGGCAATGTGTCAGGGAGGAATCACCACATCCCTACGGCAGTCCCAGCCAAGCCCCCAAT[C>G]CCAGCGGAGACTGTGCCCTGCTCAGAGCTCCCAAGCCTTCCCCCACCACCTCACTCAAGT-3'